The following is an entry in ClinVar:

ClinVar aggregate classification (germline): Likely benign. Review status: criteria provided, multiple submitters, no conflicts (2 of 4 stars). 2 submissions from 2 submitters: Likely benign (2). Last evaluated 2026-08-01.

Allele frequency attached by ClinVar (database versions not stated): gnomAD exomes 0.00190; ESP Exome Variant Server 0.00015; 1000 Genomes Project 30x 0.00016; 1000 Genomes Project 0.00020; gnomAD 0.00100; ExAC 0.00106; TOPMed 0.00109.
gnomAD v4.1: 2,875 of 1,614,126 alleles (0.18%); highest among the groups gnomAD compares: Non-Finnish European, 0.23%; 7 homozygotes.

Submissions (2):

CeGaT Center for Human Genetics Tuebingen
Classification: Likely benign. Last evaluated: 2026-08-01. Review status: criteria provided, single submitter. Criteria: CeGaT Center For Human Genetics Tuebingen Variant Classification Criteria Version 2. Collection method: clinical testing. Allele origin: germline. Affected: yes. Observed: 5 variant alleles.
Comment: CDC42BPB: BP4, BP7

Blueprint Genetics
Classification: Likely benign. Last evaluated: 2024-11-21. Review status: criteria provided, single submitter. Criteria: ACMG Guidelines, 2015. Collection method: clinical testing. Allele origin: germline.

NM_006035.4(CDC42BPB):c.4719T>G (p.Leu1573=)

Gene: CDC42BPB (CDC42 binding protein kinase beta; minus strand). Cytogenetic location: 14q32.32.
Variant type: single nucleotide variant.
Coding change: c.4719T>G on transcript NM_006035.4 (MANE Select); coding-DNA position 4719, T replaced by G.
Protein change: p.Leu1573=; no amino-acid change (leucine 1573 retained).
Molecular consequence: synonymous variant.
Genome position (GRCh38, 1-based): chr14:102,939,718, A>C on the plus strand (T>G on the coding strand, the complement: CDC42BPB is on the minus strand). VCF-style: chr14-102939718-A-C. GRCh37 (hg19) VCF-style: chr14-103406055-A-C.
Other names: c.4641T>G, p.Leu1547= (NM_001411054.1).
Identifiers: ClinVar variation 3234132 (VCV003234132.21), dbSNP rs150003464, ClinGen allele CA7360316.